The following is an entry in ClinVar:

ClinVar aggregate classification (germline): conflicting data from submitters (0 of 4 stars; one submission).

Submission:

ISCA site 1
Classification: conflicting data from submitters. Last evaluated: 2012-07-02. Review status: no assertion criteria provided. Collection method: clinical testing. Allele origin: paternal, maternal. Affected: yes. Observed: 5 variant alleles. Clinical features observed: Developmental delay AND/OR other significant developmental or morphological phenotypes, Leukodystrophy (HP:0002415), Psychosis (HP:0000709), Global developmental delay (HP:0001263).
Comment: Uncertain significance(1), Likely benign (4)

Copy number variation identified through the course of routine clinical cytogenomic testing in postnatal populations, with clinical assertions as classified by the original submitter. For data from the original published study, Kaminsky, et al. 2011 (PubMed 21844811), please see nstd101.

GRCh38/hg38 7q21.13(chr7:88520043-90253333)x3

Genes: CFAP69 (cilia and flagella associated protein 69; plus strand), STEAP1 (STEAP family member 1; plus strand), STEAP2 (STEAP2 metalloreductase; plus strand), STEAP2-AS1 (STEAP2 antisense RNA 1; minus strand), TEX47 (testis expressed 47; minus strand) and 10 more. Cytogenetic location: 7q21.13.
Variant type: copy number gain.
Change: copy number 3 (three copies instead of two) of chr7:88,520,043-90,253,333 (1.73 Mb, GRCh38 coordinates, 1-based), cytogenetic band 7q21.13.
Identifiers: ClinVar variation 148558 (VCV000148558.2).